The following is an entry in ClinVar:

NM_006440.5(TXNRD2):c.572G>A (p.Arg191Gln)

Gene: TXNRD2 (thioredoxin reductase 2; minus strand). Cytogenetic location: 22q11.21.
Variant type: single nucleotide variant.
Coding change: c.572G>A on transcript NM_006440.5 (MANE Select); coding-DNA position 572, G replaced by A.
Protein change: p.Arg191Gln; replaces arginine 191 with glutamine.
Molecular consequence: missense variant. On other transcripts: non-coding transcript variant (1).
Genome position (GRCh38, 1-based): chr22:19,915,233, C>T on the plus strand (G>A on the coding strand, the complement: TXNRD2 is on the minus strand). VCF-style: chr22-19915233-C-T. GRCh37 (hg19) VCF-style: chr22-19902756-C-T.
Other names: c.572G>A, p.Arg191Gln (NM_001282512.3); c.569G>A, p.Arg190Gln (NM_001352300.2); c.482G>A, p.Arg161Gln (NM_001352301.2); c.284G>A, p.Arg95Gln (NM_001352302.2); c.476G>A, p.Arg159Gln (NM_001352303.2); short protein forms R191Q, R161Q, R190Q, R95Q, R159Q.
Identifiers: ClinVar variation 180584 (VCV000180584.8), dbSNP rs730880248, ClinGen allele CA346778.

ClinVar aggregate classification (germline): Uncertain significance. Review status: criteria provided, multiple submitters, no conflicts (2 of 4 stars). 2 submissions from 2 submitters: Uncertain significance (2). Last evaluated 2026-08-16.

Conditions:
Cardiovascular phenotype. Identifiers: MedGen CN230736.
Primary dilated cardiomyopathy (DCM). Also called: Dilated Cardiomyopathy. Identifiers: Orphanet 217604, MedGen C0007193, MeSH D002311, MONDO:0005021, HP:0001644. Inheritance: Various modes of inheritance.

Allele frequency attached by ClinVar (database versions not stated): gnomAD exomes below 0.00001 and 0.00001; TOPMed 0.00001; ExAC 0.00001; gnomAD 0.00003.
gnomAD v4.1: 10 of 1,613,734 alleles (0.00062%); highest among the groups gnomAD compares: Admixed American, 0.005%; no homozygotes.

Submissions (2):

Ambry Genetics
Classification: Uncertain significance for Cardiovascular phenotype. Last evaluated: 2026-08-16. Review status: criteria provided, single submitter. Criteria: Ambry Variant Classification Scheme 2023. Collection method: clinical testing. Allele origin: germline.
Comment: The p.R191Q variant (also known as c.572G>A), located in coding exon 7 of the TXNRD2 gene, results from a G to A substitution at nucleotide position 572. The arginine at codon 191 is replaced by glutamine, an amino acid with highly similar properties. This amino acid position is conserved. In addition, the in silico prediction for this alteration is inconclusive. Based on the available evidence, the clinical significance of this variant remains unclear.

Labcorp Genetics (formerly Invitae), Labcorp
Classification: Uncertain significance for Primary dilated cardiomyopathy. Last evaluated: 2023-07-28. Review status: criteria provided, single submitter. Criteria: Invitae Variant Classification Sherloc (09022015). Collection method: clinical testing. Allele origin: germline.
Comment: In summary, the available evidence is currently insufficient to determine the role of this variant in disease. Therefore, it has been classified as a Variant of Uncertain Significance. Advanced modeling of protein sequence and biophysical properties (such as structural, functional, and spatial information, amino acid conservation, physicochemical variation, residue mobility, and thermodynamic stability) has been performed at Invitae for this missense variant, however the output from this modeling did not meet the statistical confidence thresholds required to predict the impact of this variant on TXNRD2 protein function. ClinVar contains an entry for this variant (Variation ID: 180584). This variant has not been reported in the literature in individuals affected with TXNRD2-related conditions. This variant is present in population databases (rs730880248, gnomAD 0.003%). This sequence change replaces arginine, which is basic and polar, with glutamine, which is neutral and polar, at codon 191 of the TXNRD2 protein (p.Arg191Gln).